The following is an entry in ClinVar:

ClinVar aggregate classification (germline): Uncertain significance (1 of 4 stars; one submission).

Conditions:
Deficiency of isobutyryl-CoA dehydrogenase. Also called: IBD DEFICIENCY; ACAD8 DEFICIENCY; ACYL-CoA DEHYDROGENASE FAMILY, MEMBER 8, DEFICIENCY OF. Identifiers: Orphanet 79159, MedGen C1969809, MONDO:0012648, OMIM 611283.

Allele frequency attached by ClinVar (database versions not stated): TOPMed 0.00001.
gnomAD v4.1: 2 of 1,574,746 alleles (0.00013%); highest among the groups gnomAD compares: Admixed American, 0.0018%; no homozygotes.

Submission:

Labcorp Genetics (formerly Invitae), Labcorp
Classification: Uncertain significance for Deficiency of isobutyryl-CoA dehydrogenase. Last evaluated: 2023-08-24. Review status: criteria provided, single submitter. Criteria: Invitae Variant Classification Sherloc (09022015). Collection method: clinical testing. Allele origin: germline.
Comment: In summary, the available evidence is currently insufficient to determine the role of this variant in disease. Therefore, it has been classified as a Variant of Uncertain Significance. Algorithms developed to predict the effect of sequence changes on RNA splicing suggest that this variant may create or strengthen a splice site. ClinVar contains an entry for this variant (Variation ID: 2182881). This variant has not been reported in the literature in individuals affected with ACAD8-related conditions. The frequency data for this variant in the population databases is considered unreliable, as metrics indicate poor data quality at this position in the gnomAD database. This sequence change falls in intron 1 of the ACAD8 gene. It does not directly change the encoded amino acid sequence of the ACAD8 protein.

NM_014384.3(ACAD8):c.109+19G>T

Gene: ACAD8 (acyl-CoA dehydrogenase family member 8; plus strand). Cytogenetic location: 11q25.
Variant type: single nucleotide variant.
Coding change: c.109+19G>T on transcript NM_014384.3 (MANE Select); 19 bases into the intron after coding-DNA position 109, G replaced by T.
Molecular consequence: intron variant.
Genome position (GRCh38, 1-based): chr11:134,253,728, G>T. VCF-style: chr11-134253728-G-T. GRCh37 (hg19) VCF-style: chr11-134123622-G-T.
Identifiers: ClinVar variation 2182881 (VCV002182881.4), dbSNP rs1466466553, ClinGen allele CA602654333.